The following is an entry in ClinVar:

ClinVar aggregate classification (germline): Uncertain significance (1 of 4 stars; one submission).

Submission:

Ambry Genetics
Classification: Uncertain significance. Last evaluated: 2022-02-08. Review status: criteria provided, single submitter. Criteria: Ambry Variant Classification Scheme 2023. Collection method: clinical testing. Allele origin: germline.
Comment: The p.T623R variant (also known as c.1868C>G), located in coding exon 1 of the MLH3 gene, results from a C to G substitution at nucleotide position 1868. The threonine at codon 623 is replaced by arginine, an amino acid with similar properties. This amino acid position is conserved. In addition, this alteration is predicted to be tolerated by in silico analysis. Since supporting evidence is limited at this time, the clinical significance of this alteration remains unclear.

NM_001040108.2(MLH3):c.1868C>G (p.Thr623Arg)

Gene: MLH3 (mutL homolog 3; minus strand). Cytogenetic location: 14q24.3.
Variant type: single nucleotide variant.
Coding change: c.1868C>G on transcript NM_001040108.2 (MANE Select); coding-DNA position 1868, C replaced by G.
Protein change: p.Thr623Arg; replaces threonine 623 with arginine.
Molecular consequence: missense variant.
Genome position (GRCh38, 1-based): chr14:75,047,788, G>C on the plus strand (C>G on the coding strand, the complement: MLH3 is on the minus strand). VCF-style: chr14-75047788-G-C. GRCh37 (hg19) VCF-style: chr14-75514491-G-C.
Other names: c.1868C>G, p.Thr623Arg (NM_014381.3); short protein forms T623R.
Identifiers: ClinVar variation 1781604 (VCV001781604.2), dbSNP rs1187333358, ClinGen allele CA390443984.
Genomic context (GRCh38, chr14:75,047,788, plus strand): 5'-CCAAATGTTTCTTGGGCACGTGTGGGACCAGGTCTAACATAATTTTTAAATGAATGTTCT[G>C]TTTCAGTTGATTTAGTTTTTTCATTTTGTACTACATGAGTTATAAAGCCAGTGGAACATA-3'
Protein context (NP_001035197.1, residues 613-633): VQNEKTKSTE[Thr623Arg]EHSFKNYVRP